The following is an entry in ClinVar:

NM_000368.5(TSC1):c.3390G>T (p.Lys1130Asn)

Gene: TSC1 (TSC complex subunit 1; minus strand). Cytogenetic location: 9q34.13.
Variant type: single nucleotide variant.
Coding change: c.3390G>T on transcript NM_000368.5 (MANE Select); coding-DNA position 3390, G replaced by T.
Protein change: p.Lys1130Asn; replaces lysine 1130 with asparagine.
Molecular consequence: missense variant. On other transcripts: non-coding transcript variant (5).
Genome position (GRCh38, 1-based): chr9:132,896,340, C>A on the plus strand (G>T on the coding strand, the complement: TSC1 is on the minus strand). VCF-style: chr9-132896340-C-A. GRCh37 (hg19) VCF-style: chr9-135771727-C-A.
Other names: c.3387G>T, p.Lys1129Asn (NM_001162426.2, NM_001406597.1, NM_001406598.1 and 2 more transcripts); c.3237G>T, p.Lys1079Asn (NM_001162427.2, NM_001406610.1); c.3027G>T, p.Lys1009Asn (NM_001362177.2, NM_001406614.1, NM_001406615.1 and 4 more transcripts); c.3390G>T, p.Lys1130Asn (NM_001406592.1, NM_001406593.1, NM_001406594.1 and 2 more transcripts); c.3375G>T, p.Lys1125Asn (NM_001406601.1, NM_001406602.1); c.3372G>T, p.Lys1124Asn (NM_001406603.1, NM_001406604.1); c.3348G>T, p.Lys1116Asn (NM_001406605.1, NM_001406606.1, NM_001406607.1); c.3345G>T, p.Lys1115Asn (NM_001406608.1, NM_001406609.1); and 8 more; short protein forms K1008N, K1079N, K1129N, K779N, K812N, K813N, K1064N, K1116N.
Identifiers: ClinVar variation 2836008 (VCV002836008.3), dbSNP rs1845035929, ClinGen allele CA375366469.
Genomic context (GRCh38, chr9:132,896,340, plus strand): 5'-CTGTCCAACACTGTCCGGGGTCGGGGGAGACGGGTGAGGGCCATCTAGGTTCAGGGGAAT[C>A]TTGGCTTCCACACCCAAGTCTTTGCCCAGTTCTGTCTTTAGGCTCTCAGAAAGGCTACTG-3'
Protein context (NP_000359.1, residues 1120-1140): ELGKDLGVEA[Lys1130Asn]IPLNLDGPHP

ClinVar aggregate classification (germline): Uncertain significance (1 of 4 stars; one submission).

Conditions:
Tuberous sclerosis 1 (TSC1). Identifiers: Orphanet 805, MedGen C1854465, MONDO:0008612, OMIM 191100.

Submission:

Labcorp Genetics (formerly Invitae), Labcorp
Classification: Uncertain significance for Tuberous sclerosis 1. Last evaluated: 2023-02-15. Review status: criteria provided, single submitter. Criteria: Invitae Variant Classification Sherloc (09022015). Collection method: clinical testing. Allele origin: germline.
Comment: This sequence change replaces lysine, which is basic and polar, with asparagine, which is neutral and polar, at codon 1130 of the TSC1 protein (p.Lys1130Asn). This variant is not present in population databases (gnomAD no frequency). This variant has not been reported in the literature in individuals affected with TSC1-related conditions. Advanced modeling of protein sequence and biophysical properties (such as structural, functional, and spatial information, amino acid conservation, physicochemical variation, residue mobility, and thermodynamic stability) performed at Invitae indicates that this missense variant is not expected to disrupt TSC1 protein function. In summary, the available evidence is currently insufficient to determine the role of this variant in disease. Therefore, it has been classified as a Variant of Uncertain Significance.